The following is an entry in ClinVar:

ClinVar aggregate classification (germline): Uncertain significance (1 of 4 stars; one submission).

Submission:

GeneDx
Classification: Uncertain significance. Last evaluated: 2020-01-07. Review status: criteria provided, single submitter. Criteria: GeneDx Variant Classification Process June 2021. Collection method: clinical testing. Allele origin: germline. Affected: yes.
Comment: Not observed in large population cohorts (Lek et al., 2016); In silico analysis, which includes protein predictors and evolutionary conservation, supports a deleterious effect; Has not been previously published as pathogenic or benign to our knowledge

NM_001242896.3(DEPDC5):c.2638C>T (p.Pro880Ser)

Gene: DEPDC5 (DEP domain containing 5, GATOR1 subcomplex subunit; plus strand). Cytogenetic location: 22q12.3.
Variant type: single nucleotide variant.
Coding change: c.2638C>T on transcript NM_001242896.3 (MANE Select); coding-DNA position 2638, C replaced by T.
Protein change: p.Pro880Ser; replaces proline 880 with serine.
Molecular consequence: missense variant. On other transcripts: non-coding transcript variant (5).
Genome position (GRCh38, 1-based): chr22:31,843,649, C>T. VCF-style: chr22-31843649-C-T. GRCh37 (hg19) VCF-style: chr22-32239635-C-T.
Other names: c.2611C>T, p.Pro871Ser (NM_001136029.4, NM_001369903.1, NM_014662.6); c.2404C>T, p.Pro802Ser (NM_001242897.2, NM_001363854.2, NM_001364319.2); c.2638C>T, p.Pro880Ser (NM_001363852.2, NM_001364318.2, NM_001364320.2); c.2554C>T, p.Pro852Ser (NM_001369901.1, NM_001369902.1); short protein forms P802S, P852S, P871S, P880S.
Identifiers: ClinVar variation 1311043 (VCV001311043.2), dbSNP rs2149008503, ClinGen allele CA411289552.